The following is an entry in ClinVar:

ClinVar aggregate classification (germline): Likely pathogenic (1 of 4 stars; one submission).

Conditions:
Dilated cardiomyopathy 1G (CMD1G). Identifiers: Orphanet 154, MedGen C1858763, MONDO:0011400, OMIM 604145.
Autosomal recessive limb-girdle muscular dystrophy type 2J (LGMDR10). Also called: Limb-girdle muscular dystrophy, type 2J; MUSCULAR DYSTROPHY, LIMB-GIRDLE, AUTOSOMAL RECESSIVE 10. Identifiers: Orphanet 140922, MedGen C1837342, MONDO:0012127, OMIM 608807.

Submission:

Labcorp Genetics (formerly Invitae), Labcorp
Classification: Likely pathogenic for Dilated cardiomyopathy 1G; Autosomal recessive limb-girdle muscular dystrophy type 2J. Last evaluated: 2025-06-04. Review status: criteria provided, single submitter. Criteria: Invitae Variant Classification Sherloc (09022015). Collection method: clinical testing. Allele origin: germline.
Comment: This sequence change creates a premature translational stop signal (p.Tyr3807*) in the TTN gene. While this is not anticipated to result in nonsense mediated decay, it is expected to create a truncated TTN protein. Information on the frequency of this variant in the gnomAD database is not available, as this variant may be reported differently in the database. This variant has not been reported in the literature in individuals affected with TTN-related conditions. ClinVar contains an entry for this variant (Variation ID: 2129136). This variant is located in the I band of TTN (PMID: 25589632). Truncating variants in this region have been reported in individuals affected with autosomal recessive centronuclear myopathy (PMID: 23975875, internal data). Truncating variants in this region have also been identified in individuals affected with autosomal dominant dilated cardiomyopathy and/or cardio-related conditions (PMID: 27869827, 32964742, internal data). In summary, the currently available evidence indicates that the variant is pathogenic, but additional data are needed to prove that conclusively. Therefore, this variant has been classified as Likely Pathogenic.

Literature cited by the submitters: PubMed 25589632; PubMed 23975875; PubMed 27869827; PubMed 32964742.

NM_001267550.2(TTN):c.11421_11422delinsGT (p.Tyr3807_Pro3808delinsTer)

Gene: TTN (titin; minus strand). Cytogenetic location: 2q31.2.
Variant type: Indel.
Coding change: c.11421_11422delinsGT on transcript NM_001267550.2 (MANE Select); coding-DNA positions 11421 to 11422, CC replaced by GT.
Protein change: p.Tyr3807_Pro3808delinsTer.
Molecular consequence: nonsense. On other transcripts: intron variant (1).
Genome position (GRCh38, 1-based): chr2:178,741,811-178,741,812, GG replaced by AC on the plus strand (CC replaced by GT on the coding strand, the reverse complement: TTN is on the minus strand). VCF-style: chr2-178741811-GG-AC. GRCh37 (hg19) VCF-style: chr2-179606538-GG-AC.
Other names: c.10470_10471delinsGT, p.Tyr3490_Pro3491delinsTer (NM_001256850.1); c.10332_10333delinsGT, p.Tyr3444_Pro3445delinsTer (NM_003319.4); c.10707_10708delinsGT, p.Tyr3569_Pro3570delinsTer (NM_133432.3); c.10908_10909delinsGT, p.Tyr3636_Pro3637delinsTer (NM_133437.4); c.10361-3452_10361-3451delinsGT (NM_133378.4); short protein forms Y3807*.
Identifiers: ClinVar variation 2129136 (VCV002129136.4), dbSNP rs2530740477, ClinGen allele CA2580065199.